The following is an entry in ClinVar:

ClinVar aggregate classification (germline): Uncertain significance (1 of 4 stars; one submission).

Conditions:
GNAS-related disorder. Identifiers: MedGen CN380105.

Submission:

PreventionGenetics, part of Exact Sciences
Classification: Uncertain significance for GNAS-related condition. Last evaluated: 2025-01-10. Review status: criteria provided, single submitter. Criteria: ACMG Guidelines, 2015. Collection method: clinical testing. Allele origin: germline.
Comment: The GNAS c.1216_1242del27 variant is predicted to result in an in-frame deletion (p.Ala406_Gly414del). In the more commonly reported transcript (NM_000516.5), this variant can also be referred to as c.-37246_-37220del27 (Pre-Coding). To our knowledge, this variant has not been reported in the literature. This variant is reported in 0.0050% of alleles in individuals of European (Non-Finnish) descent in gnomAD. At this time, the clinical significance of this variant is uncertain due to the absence of conclusive functional and genetic evidence.

NM_080425.4(GNAS):c.1216_1242del (p.Ala406_Gly414del)

Gene: GNAS (GNAS complex locus; plus strand). Cytogenetic location: 20q13.32.
Variant type: Deletion.
Coding change: c.1216_1242del on transcript NM_080425.4 (MANE Plus Clinical); coding-DNA positions 1216 to 1242, 27 bases deleted (GCAACCCCAGAAGATCCCGACTCCGGG).
Protein change: p.Ala406_Gly414del.
Molecular consequence: inframe deletion. On other transcripts: intron variant (3).
Genome position (GRCh38, 1-based): chr20:58,854,481-58,854,507, GCAACCCCAGAAGATCCCGACTCCGGG deleted; deleting any 27 consecutive bases within chr20:58,854,472-58,854,507 gives the same sequence; the c. name uses the placement nearest the transcript's 3' end. VCF-style (leftmost placement, unchanged base first): chr20-58854471-TGACTCCGGGGCAACCCCAGAAGATCCC-T. GRCh37 (hg19) VCF-style: chr20-57429526-TGACTCCGGGGCAACCCCAGAAGATCCC-T.
Other names: c.1029_1055del, p.Pro345_Gln353del (NM_001077490.3, NM_001309883.1); c.1216_1242del, p.Ala406_Gly414del (NM_001410913.1); c.*42+13595_*42+13621del (NM_016592.5); c.43+13595_43+13621del (NM_001410912.1); c.-39+12606_-39+12632del (NM_001309861.2).
Identifiers: ClinVar variation 4988580 (VCV004988580.1).
Genomic context (GRCh38, chr20:58,854,471, plus strand): 5'-CGCCGGGGCAGCCTCAGCGGATACCGCTGCCAGGGCAGCCCCTGCAGCCCCAGCCGATCC[TGACTCCGGGGCAACCCCAGAAGATCCC>T]GACTCCGGGACAGCACCAGCCGATCCTGACTCCGGGGCATTCGCAGCCGATCCCGACTCC-3'